The following is an entry in ClinVar:

ClinVar aggregate classification (germline): Uncertain significance. Review status: criteria provided, multiple submitters, no conflicts (2 of 4 stars). 2 submissions from 2 submitters: Uncertain significance (2). Last evaluated 2025-10-08.

Conditions:
Progressive sclerosing poliodystrophy (MTDPS4A). Also called: NEURONAL DEGENERATION OF CHILDHOOD WITH LIVER DISEASE, PROGRESSIVE; ALPERS PROGRESSIVE INFANTILE POLIODYSTROPHY; ALPERS DIFFUSE DEGENERATION OF CEREBRAL GRAY MATTER WITH HEPATIC CIRRHOSIS; Alpers-Huttenlocher Syndrome; Mitochondrial DNA depletion syndrome 4A (Alpers type); Alpers Syndrome. Identifiers: Orphanet 726, MedGen C0205710, MONDO:0008758, OMIM 203700.

gnomAD v4.1: 1 of 1,535,470 alleles (0.000065%); highest among the groups gnomAD compares: Non-Finnish European, 0.000087%; no homozygotes.

Submissions (2):

Labcorp Genetics (formerly Invitae), Labcorp
Classification: Uncertain significance for Progressive sclerosing poliodystrophy. Last evaluated: 2025-10-08. Review status: criteria provided, single submitter. Criteria: Invitae Variant Classification Sherloc (09022015). Collection method: clinical testing. Allele origin: germline.
Comment: This sequence change replaces arginine, which is basic and polar, with tryptophan, which is neutral and slightly polar, at codon 7 of the POLG protein (p.Arg7Trp). This variant is not present in population databases (gnomAD no frequency). This variant has not been reported in the literature in individuals affected with POLG-related conditions. ClinVar contains an entry for this variant (Variation ID: 1978418). Invitae Evidence Modeling of protein sequence and biophysical properties (such as structural, functional, and spatial information, amino acid conservation, physicochemical variation, residue mobility, and thermodynamic stability) indicates that this missense variant is not expected to disrupt POLG protein function with a negative predictive value of 95%. In summary, the available evidence is currently insufficient to determine the role of this variant in disease. Therefore, it has been classified as a Variant of Uncertain Significance.

Blueprint Genetics
Classification: Uncertain significance. Last evaluated: 2023-08-23. Review status: criteria provided, single submitter. Criteria: ACMG Guidelines, 2015. Collection method: clinical testing. Allele origin: germline.

NM_002693.3(POLG):c.19A>T (p.Arg7Trp)

Genes: POLG (DNA polymerase gamma, catalytic subunit; minus strand), POLGARF (POLG alternative reading frame; minus strand). Cytogenetic location: 15q26.1.
Variant type: single nucleotide variant.
Coding change: c.19A>T on transcript NM_002693.3 (MANE Select); coding-DNA position 19, A replaced by T.
Protein change: p.Arg7Trp; replaces arginine 7 with tryptophan.
Molecular consequence: missense variant.
Genome position (GRCh38, 1-based): chr15:89,333,736, T>A on the plus strand (A>T on the coding strand, the complement: POLG is on the minus strand). VCF-style: chr15-89333736-T-A. GRCh37 (hg19) VCF-style: chr15-89876967-T-A.
Other names: c.19A>T, p.Arg7Trp (NM_001126131.2); short protein forms R7W.
Identifiers: ClinVar variation 1978418 (VCV001978418.5), dbSNP rs1429742906, ClinGen allele CA393775402.